The following is an entry in ClinVar:

ClinVar aggregate classification (germline): Pathogenic/Likely pathogenic. Review status: criteria provided, multiple submitters, no conflicts (2 of 4 stars). 3 submissions from 3 submitters: Pathogenic (1); Likely pathogenic (2). Last evaluated 2024-05-02.

Conditions:
Hereditary factor IX deficiency disease (HEMB). Also called: Christmas Disease; F9 DEFICIENCY; FACTOR IX DEFICIENCY; PLASMA THROMBOPLASTIN COMPONENT DEFICIENCY; Hemophilia B. Identifiers: Orphanet 98879, MedGen C0008533, MeSH D002836, MONDO:0010604, OMIM 306900.
Warfarin sensitivity, X-linked. Also called: COUMARIN SENSITIVITY, X-LINKED. Identifiers: MedGen C5393318, OMIM 301052, MONDO:0026768.
Thrombophilia, X-linked, due to factor 9 defect. Identifiers: MedGen C2749016, MONDO:0010432, OMIM 300807.

Allele frequency attached by ClinVar (database versions not stated): ExAC 0.00001; gnomAD 0.00001; TOPMed 0.00002; gnomAD exomes 0.00001; ESP Exome Variant Server 0.00009.
gnomAD v4.1: 1 of 1,208,551 alleles (0.000083%); highest among the groups gnomAD compares: Non-Finnish European, 0.00011%; no homozygotes.

Submissions (3):

Fulgent Genetics
Classification: Pathogenic for Thrombophilia, X-linked, due to factor 9 defect; Warfarin sensitivity, X-linked; Hereditary factor IX deficiency disease. Last evaluated: 2024-05-02. Review status: criteria provided, single submitter. Criteria: ACMG Guidelines, 2015. Collection method: clinical testing. Allele origin: germline.

Women's Health and Genetics/Laboratory Corporation of America, LabCorp
Classification: Likely pathogenic for Hereditary factor IX deficiency disease. Last evaluated: 2024-04-26. Review status: criteria provided, single submitter. Criteria: LabCorp Variant Classification Summary - May 2015. Collection method: clinical testing. Allele origin: germline.
Comment: Variant summary: F9 c.459G>A alters a non-conserved nucleotide resulting in a synonymous change. Several computational tools predict a significant impact on normal splicing: One predicts the variant strengthens a cryptic 5' donor site. One predicts the variant creates a 5' donor site. Experimental evidence is conflicting on whether this variant affects mRNA splicing (Knobe_2008, Simhadri_2017), however at least 2 publications using minigene assays have suggested this variant may cause in frame exon 5 skipping (Tajnik_2016, Zhang_2022). The variant allele was found at a frequency of 5.5e-06 in 183127 control chromosomes. c.459G>A has been reported in the literature in multiple individuals affected with Factor IX Deficiency (Hemophilia B) (Hallden_2013, Knobe_2008). These data indicate that the variant is very likely to be associated with disease. At least one publication reports experimental evidence evaluating an impact on protein function. The most pronounced variant effect results in 10%-<30% of normal protein expression in HEK293 or HUH-7 cell backgrounds, however a second study found no signicant difference in protein expression or activity in a HeLa cell background (Tajnik_2016, Simhadri_2017). It has also been suggested that this variant reduces translational efficiency and protein stability and/or has conformational effects (Simhadri_2017). The following publications have been ascertained in the context of this evaluation (PMID: 24219067, 18459950, 28007939, 27227676, 35391506). ClinVar contains an entry for this variant (Variation ID: 811515). Based on the evidence outlined above, the variant was classified as likely pathogenic.

ARUP Laboratories, Molecular Genetics and Genomics, ARUP Laboratories
Classification: Likely pathogenic. Last evaluated: 2019-01-23. Review status: criteria provided, single submitter. Criteria: ARUP Molecular Germline Variant Investigation Process. Collection method: clinical testing. Allele origin: germline.
Comment: The F9 c.459G>A; p.Val153Val variant (rs144314232), also known as G17736A or Val107Val, is reported in the literature in multiple individuals affected with mild hemophilia B (Green 1991, Knobe 2008, Ljung 2001, Simhadri 2017, Tajnik 2016). This variant is only observed on one allele in the Genome Aggregation Database, indicating it is not a common polymorphism. This is a synonymous variant in a weakly conserved nucleotide, but computational analyses (Alamut v.2.11) predict that this variant may impact splicing by strengthening a cryptic donor splice site. One functional study by mini-gene analysis shows the creation of a binding site for splicing silencing factors that leads to exon skipping and a non-functional mRNA (Tajnik 2016), although Knobe (2008) originally isolated mRNA from a patient's lymphocytes and did not detect evidence of exon skipping. Another in vitro study shows a reduction in the amount of protein produced (Simhadri 2017), although the authors postulated that reduced translation efficiency and other factors explain this change. While the exact mechanism remains unclear, based on available information, this variant is considered to be likely pathogenic. References: Green PM et al. Haemophilia B mutations in a complete Swedish population sample: a test of new strategy for the genetic counselling of diseases with high mutational heterogeneity. Br J Haematol. 1991 Jul;78(3):390-7. Knobe KE et al. Why does the mutation G17736A/Val107Val (silent) in the F9 gene cause mild haemophilia B in five Swedish families? Haemophilia. 2008 Jul;14(4):723-8. Ljung R et al. Haemophilia B mutations in Sweden: a population-based study of mutational heterogeneity. Br J Haematol. 2001 Apr;113(1):81-6. Simhadri VL et al. Single synonymous mutation in factor IX alters protein properties and underlies haemophilia B. J Med Genet. 2017 May;54(5):338-345. Tajnik M et al. Molecular Basis and Therapeutic Strategies to Rescue Factor IX Variants That Affect Splicing and Protein Function. PLoS Genet. 2016 May 26;12(5):e1006082.

Literature cited by the submitters: PubMed 24219067 (cited by Women's Health and Genetics/Laboratory Corporation of America, LabCorp); PubMed 18459950 (cited by Women's Health and Genetics/Laboratory Corporation of America, LabCorp); PubMed 28007939 (cited by Women's Health and Genetics/Laboratory Corporation of America, LabCorp); PubMed 27227676 (cited by Women's Health and Genetics/Laboratory Corporation of America, LabCorp); PubMed 35391506 (cited by Women's Health and Genetics/Laboratory Corporation of America, LabCorp).

NM_000133.4(F9):c.459G>A (p.Val153=)

Gene: F9 (coagulation factor IX; plus strand). Cytogenetic location: Xq27.1.
Variant type: single nucleotide variant.
Coding change: c.459G>A on transcript NM_000133.4 (MANE Select); coding-DNA position 459, G replaced by A.
Protein change: p.Val153=; no amino-acid change (valine 153 retained).
Molecular consequence: synonymous variant.
Genome position (GRCh38, 1-based): chrX:139,548,430, G>A. VCF-style: chrX-139548430-G-A. GRCh37 (hg19) VCF-style: chrX-138630589-G-A.
Other names: c.345G>A, p.Val115= (NM_001313913.2).
Identifiers: ClinVar variation 811515 (VCV000811515.10), dbSNP rs144314232, ClinGen allele CA10529797.